The following is an entry in ClinVar:

NM_001368809.2(AMPD2):c.853G>A (p.Asp285Asn)

Gene: AMPD2 (adenosine monophosphate deaminase 2; plus strand). Cytogenetic location: 1p13.3.
Variant type: single nucleotide variant.
Coding change: c.853G>A on transcript NM_001368809.2 (MANE Select); coding-DNA position 853, G replaced by A.
Protein change: p.Asp285Asn; replaces aspartic acid 285 with asparagine.
Molecular consequence: missense variant.
Genome position (GRCh38, 1-based): chr1:109,627,309, G>A. VCF-style: chr1-109627309-G-A. GRCh37 (hg19) VCF-style: chr1-110169931-G-A.
Other names: c.1015G>A, p.Asp339Asn (NM_001257360.2); c.661G>A, p.Asp221Asn (NM_001257361.2); c.790G>A, p.Asp264Asn (NM_001308170.1); c.853G>A, p.Asp285Asn (NM_004037.9); c.772G>A, p.Asp258Asn (NM_139156.4); short protein forms D258N, D264N, D221N, D285N, D339N.
Identifiers: ClinVar variation 2196114 (VCV002196114.4), dbSNP rs761197546, ClinGen allele CA992930.

ClinVar aggregate classification (germline): Uncertain significance (1 of 4 stars; one submission).

Conditions:
Hereditary spastic paraplegia 63. Also called: Spastic paraplegia 63, autosomal recessive. Identifiers: Orphanet 401805, MedGen C3810295, MONDO:0014305, OMIM 615686.
Pontocerebellar hypoplasia type 9. Identifiers: Orphanet 369920, MedGen C4014354, MONDO:0014351, OMIM 615809.

Allele frequency attached by ClinVar (database versions not stated): gnomAD exomes below 0.00001; ExAC 0.00001.
gnomAD v4.1: 2 of 1,604,646 alleles (0.00012%); highest among the groups gnomAD compares: Admixed American, 0.0017%; no homozygotes.

Submission:

Labcorp Genetics (formerly Invitae), Labcorp
Classification: Uncertain significance for Pontocerebellar hypoplasia type 9; Hereditary spastic paraplegia 63. Last evaluated: 2022-06-14. Review status: criteria provided, single submitter. Criteria: Invitae Variant Classification Sherloc (09022015). Collection method: clinical testing. Allele origin: germline.
Comment: This sequence change replaces aspartic acid, which is acidic and polar, with asparagine, which is neutral and polar, at codon 339 of the AMPD2 protein (p.Asp339Asn). In summary, the available evidence is currently insufficient to determine the role of this variant in disease. Therefore, it has been classified as a Variant of Uncertain Significance. Algorithms developed to predict the effect of missense changes on protein structure and function (SIFT, PolyPhen-2, Align-GVGD) all suggest that this variant is likely to be tolerated. This variant has not been reported in the literature in individuals affected with AMPD2-related conditions. This variant is present in population databases (rs761197546, gnomAD 0.006%).